The following is an entry in ClinVar:

ClinVar aggregate classification (germline): Uncertain significance (1 of 4 stars; one submission).

Submission:

Labcorp Genetics (formerly Invitae), Labcorp
Classification: Uncertain significance. Last evaluated: 2022-07-15. Review status: criteria provided, single submitter. Criteria: Invitae Variant Classification Sherloc (09022015). Collection method: clinical testing. Allele origin: germline.
Comment: In summary, the available evidence is currently insufficient to determine the role of this variant in disease. Therefore, it has been classified as a Variant of Uncertain Significance. Algorithms developed to predict the effect of missense changes on protein structure and function (SIFT, PolyPhen-2, Align-GVGD) all suggest that this variant is likely to be disruptive. This variant has not been reported in the literature in individuals affected with MKL1-related conditions. This variant is not present in population databases (gnomAD no frequency). This sequence change replaces serine, which is neutral and polar, with proline, which is neutral and non-polar, at codon 492 of the MKL1 protein (p.Ser492Pro).

NM_020831.6(MRTFA):c.1774T>C (p.Ser592Pro)

Gene: MRTFA (myocardin related transcription factor A; minus strand). Cytogenetic location: 22q13.1.
Variant type: single nucleotide variant.
Coding change: c.1774T>C on transcript NM_020831.6 (MANE Select); coding-DNA position 1774, T replaced by C.
Protein change: p.Ser592Pro; replaces serine 592 with proline.
Molecular consequence: missense variant.
Genome position (GRCh38, 1-based): chr22:40,418,964, A>G on the plus strand (T>C on the coding strand, the complement: MRTFA is on the minus strand). VCF-style: chr22-40418964-A-G. GRCh37 (hg19) VCF-style: chr22-40814968-A-G.
Other names: c.1474T>C, p.Ser492Pro (NM_001282660.2); c.1624T>C, p.Ser542Pro (NM_001282661.3); c.1774T>C, p.Ser592Pro (NM_001282662.3); c.1579T>C, p.Ser527Pro (NM_001318139.2); short protein forms S492P, S542P, S527P, S592P.
Identifiers: ClinVar variation 1904051 (VCV001904051.5), dbSNP rs2052759816, ClinGen allele CA411660529.